The following is an entry in ClinVar:

NM_152383.5(DIS3L2):c.1199C>T (p.Ala400Val)

Gene: DIS3L2 (DIS3 like 3'-5' exoribonuclease 2; plus strand). Cytogenetic location: 2q37.1.
Variant type: single nucleotide variant.
Coding change: c.1199C>T on transcript NM_152383.5 (MANE Select); coding-DNA position 1199, C replaced by T.
Protein change: p.Ala400Val; replaces alanine 400 with valine.
Molecular consequence: missense variant. On other transcripts: non-coding transcript variant (2).
Genome position (GRCh38, 1-based): chr2:232,210,400, C>T. VCF-style: chr2-232210400-C-T. GRCh37 (hg19) VCF-style: chr2-233075110-C-T.
Other names: c.1199C>T, p.Ala400Val (NM_001257281.2); short protein forms A400V.
Identifiers: ClinVar variation 2789590 (VCV002789590.3), dbSNP rs1692155385, ClinGen allele CA351154132.
Genomic context (GRCh38, chr2:232,210,400, plus strand): 5'-TCACCATTGACCCATCAACCGCCCGAGACCTCGATGATGCCCTCTCCTGCAAGCCACTCG[C>T]TGACGGTAGGATGGAAATTTCTATAGCATCTTGGGTAGCAGGCAGTCTGCATGCCTGTGT-3'
Protein context (NP_689596.4, residues 390-410): LDDALSCKPL[Ala400Val]DGNFKVGVHI

ClinVar aggregate classification (germline): Uncertain significance (1 of 4 stars; one submission).

Conditions:
Perlman syndrome (PRLMNS). Identifiers: Orphanet 2849, MedGen C0796113, MONDO:0009965, OMIM 267000.

Allele frequency attached by ClinVar (database versions not stated): TOPMed below 0.00001.

Submission:

Labcorp Genetics (formerly Invitae), Labcorp
Classification: Uncertain significance for Perlman syndrome. Last evaluated: 2023-05-15. Review status: criteria provided, single submitter. Criteria: Invitae Variant Classification Sherloc (09022015). Collection method: clinical testing. Allele origin: germline.
Comment: Advanced modeling of protein sequence and biophysical properties (such as structural, functional, and spatial information, amino acid conservation, physicochemical variation, residue mobility, and thermodynamic stability) performed at Invitae indicates that this missense variant is not expected to disrupt DIS3L2 protein function. In summary, the available evidence is currently insufficient to determine the role of this variant in disease. Therefore, it has been classified as a Variant of Uncertain Significance. This variant has not been reported in the literature in individuals affected with DIS3L2-related conditions. This variant is not present in population databases (gnomAD no frequency). This sequence change replaces alanine, which is neutral and non-polar, with valine, which is neutral and non-polar, at codon 400 of the DIS3L2 protein (p.Ala400Val).